The following is an entry in ClinVar:

ClinVar aggregate classification (germline): Uncertain significance (1 of 4 stars; one submission).

Conditions:
Peroxisome biogenesis disorder. Identifiers: Orphanet 79189, MedGen C1832200, MONDO:0019234. Disease mechanism: loss of function.

Allele frequency attached by ClinVar (database versions not stated): gnomAD exomes 0.00001.
gnomAD v4.1: 8 of 1,613,490 alleles (0.0005%); highest among the groups gnomAD compares: Non-Finnish European, 0.00068%; no homozygotes.

Submission:

Labcorp Genetics (formerly Invitae), Labcorp
Classification: Uncertain significance for Peroxisome biogenesis disorder. Last evaluated: 2024-05-22. Review status: criteria provided, single submitter. Criteria: Invitae Variant Classification Sherloc (09022015). Collection method: clinical testing. Allele origin: germline.
Comment: This sequence change replaces valine, which is neutral and non-polar, with methionine, which is neutral and non-polar, at codon 412 of the PEX6 protein (p.Val412Met). This variant is not present in population databases (gnomAD no frequency). This variant has not been reported in the literature in individuals affected with PEX6-related conditions. ClinVar contains an entry for this variant (Variation ID: 1939625). An algorithm developed to predict the effect of missense changes on protein structure and function (PolyPhen-2) suggests that this variant¬†is likely to be tolerated. In summary, the available evidence is currently insufficient to determine the role of this variant in disease. Therefore, it has been classified as a Variant of Uncertain Significance.

NM_000287.4(PEX6):c.1234G>A (p.Val412Met)

Gene: PEX6 (peroxisomal biogenesis factor 6; minus strand). Cytogenetic location: 6p21.1.
Variant type: single nucleotide variant.
Coding change: c.1234G>A on transcript NM_000287.4 (MANE Select); coding-DNA position 1234, G replaced by A.
Protein change: p.Val412Met; replaces valine 412 with methionine.
Molecular consequence: missense variant. On other transcripts: non-coding transcript variant (1).
Genome position (GRCh38, 1-based): chr6:42,969,801, C>T on the plus strand (G>A on the coding strand, the complement: PEX6 is on the minus strand). VCF-style: chr6-42969801-C-T. GRCh37 (hg19) VCF-style: chr6-42937539-C-T.
Other names: c.970G>A, p.Val324Met (NM_001316313.2); short protein forms V324M, V412M.
Identifiers: ClinVar variation 1939625 (VCV001939625.3), dbSNP rs2481234291, ClinGen allele CA364155963.
Genomic context (GRCh38, chr6:42,969,801, plus strand): 5'-TGCTCCAGAGAGTGGATTCCTCTGAAGGGAGCCATGGAACAGGGCTCAGGGTAGAACCCA[C>T]CTGTGAAAGGTAATAAAAAGCTTTCGTTTCTAAAAATCGTTTCTACCCCCTGCGCTGGTC-3'
Protein context (NP_000278.3, residues 402-422): ADTTHTSLYM[Val412Met]GSTLSPVPWL